The following is an entry in ClinVar:

NM_001352027.3(PHF21A):c.515A>C (p.Asp172Ala)

Gene: PHF21A (PHD finger protein 21A; minus strand). Cytogenetic location: 11p11.2.
Variant type: single nucleotide variant.
Coding change: c.515A>C on transcript NM_001352027.3 (MANE Select); coding-DNA position 515, A replaced by C.
Protein change: p.Asp172Ala; replaces aspartic acid 172 with alanine.
Molecular consequence: missense variant. On other transcripts: non-coding transcript variant (2), intron variant (1).
Genome position (GRCh38, 1-based): chr11:45,971,213, T>G on the plus strand (A>C on the coding strand, the complement: PHF21A is on the minus strand). VCF-style: chr11-45971213-T-G. GRCh37 (hg19) VCF-style: chr11-45992764-T-G.
Other names: c.515A>C, p.Asp172Ala (NM_001101802.3, NM_001352025.3, NM_001352026.3 and 7 more transcripts); c.512A>C, p.Asp171Ala (NM_001352030.3); c.536A>C, p.Asp179Ala (NM_001441167.1, NM_001441168.1); c.533A>C, p.Asp178Ala (NM_001441169.1); c.361-1309A>C (NM_001441172.1); short protein forms D178A, D172A, D179A, D171A.
Identifiers: ClinVar variation 4696598 (VCV004696598.1).

ClinVar aggregate classification (germline): Uncertain significance (1 of 4 stars; one submission).

gnomAD v4.1: 1 of 1,614,076 alleles (0.000062%); highest among the groups gnomAD compares: Admixed American, 0.0017%; no homozygotes.

Submission:

Labcorp Genetics (formerly Invitae), Labcorp
Classification: Uncertain significance. Last evaluated: 2025-03-23. Review status: criteria provided, single submitter. Criteria: Invitae Variant Classification Sherloc (09022015). Collection method: clinical testing. Allele origin: germline.
Comment: This sequence change replaces aspartic acid, which is acidic and polar, with alanine, which is neutral and non-polar, at codon 172 of the PHF21A protein (p.Asp172Ala). This variant is present in population databases (no rsID available, gnomAD 0.003%). This variant has not been reported in the literature in individuals affected with PHF21A-related conditions. Invitae Evidence Modeling of protein sequence and biophysical properties (such as structural, functional, and spatial information, amino acid conservation, physicochemical variation, residue mobility, and thermodynamic stability) indicates that this missense variant is not expected to disrupt PHF21A protein function with a negative predictive value of 80%. In summary, the available evidence is currently insufficient to determine the role of this variant in disease. Therefore, it has been classified as a Variant of Uncertain Significance.